The following is an entry in ClinVar:

ClinVar aggregate classification (germline): Uncertain significance. Review status: criteria provided, multiple submitters, no conflicts (2 of 4 stars). 6 submissions from 5 submitters: Uncertain significance (5). 1 of the submissions does not count toward it. Last evaluated 2023-12-13.

Conditions:
SLC26A4-related disorder. Also called: SLC26A4-related disorders; SLC26A4-related condition.
Autosomal recessive nonsyndromic hearing loss 4 (DFNB4). Also called: NEUROSENSORY NONSYNDROMIC RECESSIVE DEAFNESS 4; DEAFNESS, AUTOSOMAL RECESSIVE 4, WITH ENLARGED VESTIBULAR AQUEDUCT, DIGENIC; FOXI1-Related Pendred Syndrome; KCNJ10-Related Pendred Syndrome; Deafness, autosomal recessive 4, with enlarged vestibular aqueduct; Nonsyndromic enlarged vestibular aqueduct (NSEVA). Identifiers: Orphanet 90636, MedGen C3538946, MONDO:0010933, OMIM 600791.
Pendred syndrome (PDS). Also called: Pendred Syndrome (PDS); DEAFNESS WITH GOITER; GOITER-DEAFNESS SYNDROME; HYPOTHYROIDISM, CONGENITAL, DUE TO DYSHORMONOGENESIS, 2B; THYROID DYSHORMONOGENESIS 2B; THYROID HORMONOGENESIS, GENETIC DEFECT IN, 2B. Identifiers: Orphanet 705, MedGen C0271829, MONDO:0010134, OMIM 274600.
Hearing impairment. Also called: Impaired Hearing. Identifiers: MedGen C1384666, MONDO:0005365, HP:0000365.

Allele frequency attached by ClinVar (database versions not stated): gnomAD 0.00001; TOPMed 0.00001.
gnomAD v4.1: 7 of 1,607,936 alleles (0.00044%); highest among the groups gnomAD compares: Middle Eastern, 0.016%; no homozygotes.

Submissions (6):

Women's Health and Genetics/Laboratory Corporation of America, LabCorp
Classification: Uncertain significance. Last evaluated: 2023-12-13. Review status: criteria provided, single submitter. Criteria: LabCorp Variant Classification Summary - May 2015. Collection method: clinical testing. Allele origin: germline.
Comment: Variant summary: SLC26A4 c.1730T>C (p.Val577Ala) results in a non-conservative amino acid change located in the STAS domain of the encoded protein sequence. Four of four in-silico tools predict a damaging effect of the variant on protein function. The variant allele was found at a frequency of 4e-06 in 251110 control chromosomes. c.1730T>C has been reported in the literature in individuals affected with suspected Pendred Syndrome and hearing loss (Tesolin_2021, Roesch_2018, Likar_2018). These reports do not provide unequivocal conclusions about association of the variant with Pendred Syndrome. A functional study with variant-transfected cells showed severe loss in ion transport function, complete retention in the ER and dramatic reduction of expression (Roesch_2018). The following publications have been ascertained in the context of this evaluation (PMID: 29293505, 29320412, 34680964). Three submitters have cited clinical-significance assessments for this variant to ClinVar after 2014. All submitters classified the variant as uncertain significance. Based on the evidence outlined above, the variant was classified as VUS-possibly pathogenic.

Genome-Nilou Lab
Classification: Uncertain significance for Autosomal recessive nonsyndromic hearing loss 4. Last evaluated: 2021-09-05. Review status: criteria provided, single submitter. Criteria: ACMG Guidelines, 2015. Collection method: clinical testing. Allele origin: germline. Affected: no.

Genome-Nilou Lab
Classification: Uncertain significance for Pendred syndrome. Last evaluated: 2021-09-05. Review status: criteria provided, single submitter. Criteria: ACMG Guidelines, 2015. Collection method: clinical testing. Allele origin: germline. Affected: no.

Centre for Mendelian Genomics, University Medical Centre Ljubljana
Classification: Uncertain significance for Hearing impairment. Last evaluated: 2015-03-27. Review status: criteria provided, single submitter. Criteria: ACMG Guidelines, 2015. Collection method: clinical testing. Allele origin: unknown. Affected: yes.

Eurofins Ntd Llc (ga)
Classification: Uncertain significance. Last evaluated: 2015-01-22. Review status: criteria provided, single submitter. Criteria: EGL Classification Definitions 2015. Collection method: clinical testing. Allele origin: germline. Observed: 1 variant allele, 1 heterozygote.

PreventionGenetics, part of Exact Sciences
Classification: Uncertain significance for SLC26A4-related condition. Last evaluated: 2024-08-01. Review status: no assertion criteria provided. Collection method: clinical testing. Allele origin: germline. Not counted in ClinVar's aggregate classification.
Comment: The SLC26A4 c.1730T>C variant is predicted to result in the amino acid substitution p.Val577Ala. This variant was reported alone or together with additional one or two variants in SLC26A4 in individuals with non-syndromic hearing loss (Table 2,3, Likar et al. 2018. PubMed ID: 29293505; Roesch et al. 2018. PubMed ID: 29320412; Tesolin et al. 2021. PubMed ID: 34680964). In vitro functional studies show significant protein function reduction compared to wild type (76% reduction) (Table 3, Roesch et al. 2018. PubMed ID: 29320412). This variant is reported in 0.00088% of alleles in individuals of European (Non-Finnish) descent in gnomAD. Although we suspect that this variant is pathogenic, at this time, the clinical significance of this variant is uncertain due to the absence of conclusive functional and genetic evidence.

Literature cited by the submitters: PubMed 29320412 (cited by Women's Health and Genetics/Laboratory Corporation of America, LabCorp); PubMed 29293505 (cited by Women's Health and Genetics/Laboratory Corporation of America, LabCorp); PubMed 34680964 (cited by Women's Health and Genetics/Laboratory Corporation of America, LabCorp).

NM_000441.2(SLC26A4):c.1730T>C (p.Val577Ala)

Gene: SLC26A4 (solute carrier family 26 member 4; plus strand). Cytogenetic location: 7q22.3.
Variant type: single nucleotide variant.
Coding change: c.1730T>C on transcript NM_000441.2 (MANE Select); coding-DNA position 1730, T replaced by C.
Protein change: p.Val577Ala; replaces valine 577 with alanine.
Molecular consequence: missense variant.
Genome position (GRCh38, 1-based): chr7:107,701,123, T>C. VCF-style: chr7-107701123-T-C. GRCh37 (hg19) VCF-style: chr7-107341568-T-C.
Other names: short protein forms V577A.
Identifiers: ClinVar variation 194601 (VCV000194601.10), dbSNP rs56017519, ClinGen allele CA240658.
Genomic context (GRCh38, chr7:107,701,123, plus strand): 5'-GCCAGGCATTTTAAGTAACTTGACATTTATTTCCAAAGGTTGGATTTGATGCCATTAGAG[T>C]ATATAATAAGAGGCTGAAAGCGCTGAGGAAAATACAGAAACTAATAAAAAGTGGACAATT-3'
Protein context (NP_000432.1, residues 567-587): KSTVGFDAIR[Val577Ala]YNKRLKALRK